The following is an entry in ClinVar:

NM_001876.4(CPT1A):c.2042_2049del (p.Pro681fs)

Gene: CPT1A (carnitine palmitoyltransferase 1A; minus strand). Cytogenetic location: 11q13.3.
Variant type: Deletion.
Coding change: c.2042_2049del on transcript NM_001876.4 (MANE Select); coding-DNA positions 2042 to 2049, 8 bases deleted (CTTGGAGA; older notation c.2042_2049delCTTGGAGA).
Protein change: p.Pro681fs; shifts the reading frame from proline 681.
Molecular consequence: frameshift variant.
Genome position (GRCh38, 1-based): chr11:68,760,318-68,760,325, TCTCCAAG deleted on the plus strand (CTTGGAGA on the coding strand, the reverse complement: CPT1A is on the minus strand). VCF-style (leftmost placement, unchanged base first): chr11-68760317-ATCTCCAAG-A. GRCh37 (hg19) VCF-style: chr11-68527785-ATCTCCAAG-A.
Other names: c.2042_2049del, p.Pro681fs (NM_001440362.1, NM_001031847.3, NM_001440358.1 and 2 more transcripts); c.1934_1941del, p.Pro645fs (NM_001440363.1); c.1889_1896del, p.Pro630fs (NM_001440364.1); c.1856_1863del, p.Pro619fs (NM_001440365.1); short protein forms P619fs, P630fs, P645fs, P681fs.
Identifiers: ClinVar variation 4814973 (VCV004814973.1).

ClinVar aggregate classification (germline): Likely pathogenic (1 of 4 stars; one submission).

Conditions:
Carnitine palmitoyl transferase 1A deficiency. Also called: CPT I DEFICIENCY; CPT DEFICIENCY, HEPATIC, TYPE I; Carnitine palmitoyltransferase type I deficiency; CPT deficiency, hepatic, type IA; Carnitine palmitoyltransferase 1A deficiency. Identifiers: Orphanet 156, MedGen C1829703, MONDO:0009705, OMIM 255120.

Submission:

Natera, Inc.
Classification: Likely pathogenic for Carnitine palmitoyltransferase type I deficiency. Last evaluated: 2025-09-05. Review status: criteria provided, single submitter. Criteria: Natera Variant Classification Schema (03/2026). Collection method: clinical testing. Allele origin: germline.
Comment: The c.2042_2049del variant in CPT1A is a frameshift variant predicted to shift the reading frame beginning at codon 681 and leads to a stop codon 15 codons downstream. This variant is expected to result in nonsense mediated decay, truncation, or a dysfunctional protein product. This variant is rare in the general population with a frequency below the threshold expected for the associated phenotype(s). Given the available evidence, this variant is classified as Likely Pathogenic.